The following is an entry in ClinVar:

NM_004963.4(GUCY2C):c.611+5G>A

Genes: GUCY2C (guanylate cyclase 2C; minus strand), GUCY2C-AS1 (GUCY2C antisense RNA 1; plus strand). Cytogenetic location: 12p12.3.
Variant type: single nucleotide variant.
Coding change: c.611+5G>A on transcript NM_004963.4 (MANE Select); 5 bases into the intron after coding-DNA position 611, G replaced by A.
Molecular consequence: intron variant.
Genome position (GRCh38, 1-based): chr12:14,683,037, C>T on the plus strand (G>A on the coding strand, the complement: GUCY2C is on the minus strand). VCF-style: chr12-14683037-C-T. GRCh37 (hg19) VCF-style: chr12-14835971-C-T.
Identifiers: ClinVar variation 1309347 (VCV001309347.2), dbSNP rs893115296, ClinGen allele CA233237399.

ClinVar aggregate classification (germline): Uncertain significance (1 of 4 stars; one submission).

Allele frequency attached by ClinVar (database versions not stated): gnomAD exomes below 0.00001 and 0.00001; TOPMed 0.00001.
gnomAD v4.1: 5 of 1,594,216 alleles (0.00031%); highest among the groups gnomAD compares: Non-Finnish European, 0.00043%; no homozygotes.

Submission:

GeneDx
Classification: Uncertain significance. Last evaluated: 2019-11-04. Review status: criteria provided, single submitter. Criteria: GeneDx Variant Classification Process June 2021. Collection method: clinical testing. Allele origin: germline. Affected: yes.
Comment: Not observed at a significant frequency in large population cohorts (Lek et al., 2016); Has not been previously published as pathogenic or benign to our knowledge; In-silico analysis, which includes splice predictors and evolutionary conservation, is inconclusive as to whether the variant alters gene splicing. In the absence of RNA/functional studies, the actual effect of this sequence change is unknown.